The following is an entry in ClinVar:

ClinVar aggregate classification (germline): Uncertain significance. Review status: criteria provided, multiple submitters, no conflicts (2 of 4 stars). 2 submissions from 2 submitters: Uncertain significance (2). Last evaluated 2024-10-11.

Conditions:
Erythrocytosis, familial, 3 (ECYT3). Identifiers: Orphanet 247511, MedGen C1853286, MONDO:0012353, OMIM 609820.

Allele frequency attached by ClinVar (database versions not stated): gnomAD exomes below 0.00001 and 0.00001.
gnomAD v4.1: 2 of 1,559,122 alleles (0.00013%); highest among the groups gnomAD compares: Non-Finnish European, 0.00017%; no homozygotes.

Submissions (2):

Ambry Genetics
Classification: Uncertain significance. Last evaluated: 2024-10-11. Review status: criteria provided, single submitter. Criteria: Ambry Variant Classification Scheme 2023. Collection method: clinical testing. Allele origin: germline.
Comment: The p.R32H variant (also known as c.95G>A), located in coding exon 1 of the EGLN1 gene, results from a G to A substitution at nucleotide position 95. The arginine at codon 32 is replaced by histidine, an amino acid with highly similar properties. This amino acid position is conserved. In addition, this alteration is predicted to be tolerated by in silico analysis. Based on the available evidence, the clinical significance of this variant remains unclear.

Labcorp Genetics (formerly Invitae), Labcorp
Classification: Uncertain significance for Erythrocytosis, familial, 3. Last evaluated: 2020-07-20. Review status: criteria provided, single submitter. Criteria: Invitae Variant Classification Sherloc (09022015). Collection method: clinical testing. Allele origin: germline.
Comment: This variant is not present in population databases (ExAC no frequency). In summary, the available evidence is currently insufficient to determine the role of this variant in disease. Therefore, it has been classified as a Variant of Uncertain Significance. Algorithms developed to predict the effect of missense changes on protein structure and function are either unavailable or do not agree on the potential impact of this missense change (SIFT: "Tolerated"; PolyPhen-2: "Possibly Damaging"; Align-GVGD: "Class C0"). This variant has not been reported in the literature in individuals with EGLN1-related conditions. This sequence change replaces arginine with histidine at codon 32 of the EGLN1 protein (p.Arg32His). The arginine residue is weakly conserved and there is a small physicochemical difference between arginine and histidine.

NM_022051.3(EGLN1):c.95G>A (p.Arg32His)

Gene: EGLN1 (egl-9 family hypoxia inducible factor 1; minus strand). Cytogenetic location: 1q42.2.
Variant type: single nucleotide variant.
Coding change: c.95G>A on transcript NM_022051.3 (MANE Select); coding-DNA position 95, G replaced by A.
Protein change: p.Arg32His; replaces arginine 32 with histidine.
Molecular consequence: missense variant.
Genome position (GRCh38, 1-based): chr1:231,421,794, C>T on the plus strand (G>A on the coding strand, the complement: EGLN1 is on the minus strand). VCF-style: chr1-231421794-C-T. GRCh37 (hg19) VCF-style: chr1-231557540-C-T.
Other names: c.95G>A, p.Arg32His (NM_001377260.1, NM_001377261.1); c.95G>A (NM_022051.2); short protein forms R32H.
Identifiers: ClinVar variation 1003769 (VCV001003769.6), dbSNP rs867477927, ClinGen allele CA345239052.